The following is an entry in ClinVar:

ClinVar aggregate classification (germline): Uncertain significance (1 of 4 stars; one submission).

Conditions:
Nephronophthisis 18 (NPHP18). Identifiers: Orphanet 655, MedGen C3890591, MONDO:0014374, OMIM 615862.

Allele frequency attached by ClinVar (database versions not stated): ExAC 0.00001; gnomAD 0.00001; gnomAD exomes 0.00001; TOPMed 0.00001.
gnomAD v4.1: 15 of 1,525,816 alleles (0.00098%); highest among the groups gnomAD compares: African/African-American, 0.0014%; no homozygotes.

Submission:

Labcorp Genetics (formerly Invitae), Labcorp
Classification: Uncertain significance for Nephronophthisis 18. Last evaluated: 2022-02-10. Review status: criteria provided, single submitter. Criteria: Invitae Variant Classification Sherloc (09022015). Collection method: clinical testing. Allele origin: germline.
Comment: This sequence change replaces histidine, which is basic and polar, with arginine, which is basic and polar, at codon 299 of the CEP83 protein (p.His299Arg). The frequency data for this variant in the population databases is considered unreliable, as metrics indicate poor data quality at this position in the gnomAD database. This variant has not been reported in the literature in individuals affected with CEP83-related conditions. ClinVar contains an entry for this variant (Variation ID: 1055059). Algorithms developed to predict the effect of missense changes on protein structure and function are either unavailable or do not agree on the potential impact of this missense change (SIFT: "Not Available"; PolyPhen-2: "Possibly Damaging"; Align-GVGD: "Not Available"). In summary, the available evidence is currently insufficient to determine the role of this variant in disease. Therefore, it has been classified as a Variant of Uncertain Significance.

NM_016122.3(CEP83):c.896A>G (p.His299Arg)

Gene: CEP83 (centrosomal protein 83; minus strand). Cytogenetic location: 12q22.
Variant type: single nucleotide variant.
Coding change: c.896A>G on transcript NM_016122.3 (MANE Select); coding-DNA position 896, A replaced by G.
Protein change: p.His299Arg; replaces histidine 299 with arginine.
Molecular consequence: missense variant. On other transcripts: non-coding transcript variant (2).
Genome position (GRCh38, 1-based): chr12:94,375,923, T>C on the plus strand (A>G on the coding strand, the complement: CEP83 is on the minus strand). VCF-style: chr12-94375923-T-C. GRCh37 (hg19) VCF-style: chr12-94769699-T-C.
Other names: c.896A>G, p.His299Arg (NM_001042399.2, NM_001346457.2, NM_001346460.2 and 3 more transcripts); c.584A>G, p.His195Arg (NM_001346458.2, NM_001346459.2, NM_001346462.2 and 2 more transcripts); c.671A>G, p.His224Arg (NM_001368041.1); c.359A>G, p.His120Arg (NM_001368042.1); short protein forms H120R, H195R, H224R, H299R.
Identifiers: ClinVar variation 1055059 (VCV001055059.6), dbSNP rs751492070, ClinGen allele CA6721811.